The following is an entry in ClinVar:

ClinVar aggregate classification (germline): Uncertain significance (1 of 4 stars; one submission).

Conditions:
Neuronal ceroid lipofuscinosis 1 (CLN1). Also called: PPT1-Related Neuronal Ceroid-Lipofuscinosis; CEROID LIPOFUSCINOSIS, NEURONAL, 1, VARIABLE AGE AT ONSET. Identifiers: Orphanet 228329, MedGen C1850451, MONDO:0009744, OMIM 256730.

gnomAD v4.1: 6 of 1,614,128 alleles (0.00037%); highest among the groups gnomAD compares: Non-Finnish European, 0.00034%; no homozygotes.

Submission:

Labcorp Genetics (formerly Invitae), Labcorp
Classification: Uncertain significance for Neuronal ceroid lipofuscinosis 1. Last evaluated: 2022-07-15. Review status: criteria provided, single submitter. Criteria: Invitae Variant Classification Sherloc (09022015). Collection method: clinical testing. Allele origin: germline.
Comment: This sequence change replaces proline, which is neutral and non-polar, with arginine, which is basic and polar, at codon 30 of the PPT1 protein (p.Pro30Arg). This variant is not present in population databases (gnomAD no frequency). This variant has not been reported in the literature in individuals affected with PPT1-related conditions. Advanced modeling of protein sequence and biophysical properties (such as structural, functional, and spatial information, amino acid conservation, physicochemical variation, residue mobility, and thermodynamic stability) performed at Invitae indicates that this missense variant is not expected to disrupt PPT1 protein function. In summary, the available evidence is currently insufficient to determine the role of this variant in disease. Therefore, it has been classified as a Variant of Uncertain Significance.

NM_000310.4(PPT1):c.89C>G (p.Pro30Arg)

Gene: PPT1 (palmitoyl-protein thioesterase 1; minus strand). Cytogenetic location: 1p34.2.
Variant type: single nucleotide variant.
Coding change: c.89C>G on transcript NM_000310.4 (MANE Select); coding-DNA position 89, C replaced by G.
Protein change: p.Pro30Arg; replaces proline 30 with arginine.
Molecular consequence: missense variant.
Genome position (GRCh38, 1-based): chr1:40,097,150, G>C on the plus strand (C>G on the coding strand, the complement: PPT1 is on the minus strand). VCF-style: chr1-40097150-G-C. GRCh37 (hg19) VCF-style: chr1-40562822-G-C.
Other names: c.89C>G, p.Pro30Arg (NM_001142604.2, NM_001363695.2); short protein forms P30R.
Identifiers: ClinVar variation 2067332 (VCV002067332.1), dbSNP rs757268571, ClinGen allele CA339850719.